The following is an entry in ClinVar:

ClinVar aggregate classification (germline): Uncertain significance. Review status: criteria provided, multiple submitters, no conflicts (2 of 4 stars). 2 submissions from 2 submitters: Uncertain significance (2). Last evaluated 2025-07-14.

Conditions:
Mitochondrial complex II deficiency, nuclear type 1. Also called: SUCCINATE CoQ REDUCTASE DEFICIENCY. Identifiers: Orphanet 3208, MedGen C5700310, MONDO:0100294, OMIM 252011.
Pheochromocytoma/paraganglioma syndrome 5. Also called: Paragangliomas 5; SDHA-Related Hereditary Paraganglioma-Pheochromocytoma Syndrome. Identifiers: Orphanet 29072, MedGen C3279992, MONDO:0013602, OMIM 614165.
Hereditary cancer-predisposing syndrome. Also called: Neoplastic Syndromes, Hereditary; Hereditary Cancer Syndrome; Hereditary neoplastic syndrome; Tumor predisposition. Identifiers: Orphanet 140162, MedGen C0027672, MeSH D009386, MONDO:0015356.

Submissions (2):

Labcorp Genetics (formerly Invitae), Labcorp
Classification: Uncertain significance for Pheochromocytoma/paraganglioma syndrome 5; Mitochondrial complex II deficiency, nuclear type 1. Last evaluated: 2025-07-14. Review status: criteria provided, single submitter. Criteria: Invitae Variant Classification Sherloc (09022015). Collection method: clinical testing. Allele origin: germline.
Comment: This sequence change replaces leucine, which is neutral and non-polar, with valine, which is neutral and non-polar, at codon 222 of the SDHA protein (p.Leu222Val). This variant is not present in population databases (gnomAD no frequency). This variant has not been reported in the literature in individuals affected with SDHA-related conditions. ClinVar contains an entry for this variant (Variation ID: 472398). Invitae Evidence Modeling of protein sequence and biophysical properties (such as structural, functional, and spatial information, amino acid conservation, physicochemical variation, residue mobility, and thermodynamic stability) indicates that this missense variant is not expected to disrupt SDHA protein function with a negative predictive value of 95%. In summary, the available evidence is currently insufficient to determine the role of this variant in disease. Therefore, it has been classified as a Variant of Uncertain Significance.

Ambry Genetics
Classification: Uncertain significance for Hereditary cancer-predisposing syndrome. Last evaluated: 2022-08-29. Review status: criteria provided, single submitter. Criteria: Ambry Variant Classification Scheme 2023. Collection method: clinical testing. Allele origin: germline.
Comment: The p.L222V variant (also known as c.664T>G), located in coding exon 6 of the SDHA gene, results from a T to G substitution at nucleotide position 664. The leucine at codon 222 is replaced by valine, an amino acid with highly similar properties. This amino acid position is conserved. In addition, the in silico prediction for this alteration is inconclusive. Since supporting evidence is limited at this time, the clinical significance of this alteration remains unclear.

NM_004168.4(SDHA):c.664T>G (p.Leu222Val)

Gene: SDHA (succinate dehydrogenase complex flavoprotein subunit A; plus strand). Cytogenetic location: 5p15.33.
Variant type: single nucleotide variant.
Coding change: c.664T>G on transcript NM_004168.4 (MANE Select); coding-DNA position 664, T replaced by G.
Protein change: p.Leu222Val; replaces leucine 222 with valine.
Molecular consequence: missense variant.
Genome position (GRCh38, 1-based): chr5:228,227, T>G. VCF-style: chr5-228227-T-G. GRCh37 (hg19) VCF-style: chr5-228342-T-G.
Other names: c.520T>G, p.Leu174Val (NM_001294332.2); c.664T>G, p.Leu222Val (NM_001330758.2); short protein forms L222V, L174V.
Identifiers: ClinVar variation 472398 (VCV000472398.14), dbSNP rs1553998191, ClinGen allele CA359010887.